The following is an entry in ClinVar:

NM_006231.4(POLE):c.5948T>C (p.Leu1983Ser)

Gene: POLE (DNA polymerase epsilon, catalytic subunit; minus strand). Cytogenetic location: 12q24.33.
Variant type: single nucleotide variant.
Coding change: c.5948T>C on transcript NM_006231.4 (MANE Select); coding-DNA position 5948, T replaced by C.
Protein change: p.Leu1983Ser; replaces leucine 1983 with serine.
Molecular consequence: missense variant.
Genome position (GRCh38, 1-based): chr12:132,634,242, A>G on the plus strand (T>C on the coding strand, the complement: POLE is on the minus strand). VCF-style: chr12-132634242-A-G. GRCh37 (hg19) VCF-style: chr12-133210828-A-G.
Other names: short protein forms L1983S.
Identifiers: ClinVar variation 1489026 (VCV001489026.6), dbSNP rs2138473781, ClinGen allele CA387371527.

ClinVar aggregate classification (germline): Uncertain significance (1 of 4 stars; one submission).

Submission:

Labcorp Genetics (formerly Invitae), Labcorp
Classification: Uncertain significance. Last evaluated: 2021-09-16. Review status: criteria provided, single submitter. Criteria: Invitae Variant Classification Sherloc (09022015). Collection method: clinical testing. Allele origin: germline.
Comment: Algorithms developed to predict the effect of missense changes on protein structure and function (SIFT, PolyPhen-2, Align-GVGD) all suggest that this variant is likely to be tolerated. This variant has not been reported in the literature in individuals affected with POLE-related conditions. In summary, the available evidence is currently insufficient to determine the role of this variant in disease. Therefore, it has been classified as a Variant of Uncertain Significance. This variant is not present in population databases (ExAC no frequency). This sequence change replaces leucine with serine at codon 1983 of the POLE protein (p.Leu1983Ser). The leucine residue is weakly conserved and there is a large physicochemical difference between leucine and serine.